The following is an entry in ClinVar:

ClinVar aggregate classification (germline): Uncertain significance (1 of 4 stars; one submission).

Conditions:
Hereditary cancer-predisposing syndrome. Also called: Neoplastic Syndromes, Hereditary; Tumor predisposition; Hereditary Cancer Syndrome; Hereditary neoplastic syndrome. Identifiers: Orphanet 140162, MedGen C0027672, MeSH D009386, MONDO:0015356.

Submission:

Ambry Genetics
Classification: Uncertain significance for Hereditary cancer-predisposing syndrome. Last evaluated: 2026-03-19. Review status: criteria provided, single submitter. Criteria: Ambry Variant Classification Scheme 2023. Collection method: clinical testing. Allele origin: germline.
Comment: The p.L595V variant (also known as c.1783T>G), located in coding exon 4 of the MSH6 gene, results from a T to G substitution at nucleotide position 1783. The leucine at codon 595 is replaced by valine, an amino acid with highly similar properties. This amino acid position is conserved. In addition, the in silico prediction for this alteration is inconclusive. Based on the available evidence, the clinical significance of this variant remains unclear.

NM_000179.3(MSH6):c.1783T>G (p.Leu595Val)

Gene: MSH6 (mutS homolog 6; plus strand). Cytogenetic location: 2p16.3.
Variant type: single nucleotide variant.
Coding change: c.1783T>G on transcript NM_000179.3 (MANE Select); coding-DNA position 1783, T replaced by G.
Protein change: p.Leu595Val; replaces leucine 595 with valine.
Molecular consequence: missense variant. On other transcripts: non-coding transcript variant (4), intron variant (2).
Genome position (GRCh38, 1-based): chr2:47,799,766, T>G. VCF-style: chr2-47799766-T-G. GRCh37 (hg19) VCF-style: chr2-48026905-T-G.
Other names: c.1486T>G, p.Leu496Val (NM_001406819.1, NM_001406820.1, NM_001406821.1 and 10 more transcripts); c.877T>G, p.Leu293Val (NM_001406823.1, NM_001406811.1, NM_001406812.1 and 6 more transcripts); c.1615T>G, p.Leu539Val (NM_001406826.1); c.1258T>G, p.Leu420Val (NM_001406807.1, NM_001406799.1, NM_001406806.1); c.1783T>G, p.Leu595Val (NM_001406808.1, NM_001406809.1, NM_001406796.1 and 3 more transcripts); c.1789T>G, p.Leu597Val (NM_001406813.1); c.1606+177T>G (NM_001406817.1); c.628-900T>G (NM_001407362.1); and 3 more; short protein forms L293V, L420V, L465V, L496V, L539V, L569V, L595V, L597V.
Identifiers: ClinVar variation 4860377 (VCV004860377.1).